The following is an entry in ClinVar:

NM_001018005.2(TPM1):c.*65T>C

Gene: TPM1 (tropomyosin 1; plus strand). Cytogenetic location: 15q22.2.
Variant type: single nucleotide variant.
Coding change: c.*65T>C on transcript NM_001018005.2 (MANE Select); 65 bases downstream of the stop codon, T replaced by C.
Molecular consequence: 3 prime UTR variant. On other transcripts: missense variant (5), non-coding transcript variant (6), intron variant (14).
Genome position (GRCh38, 1-based): chr15:63,065,964, T>C. VCF-style: chr15-63065964-T-C. GRCh37 (hg19) VCF-style: chr15-63358163-T-C.
Other names: c.*113T>C (NM_000366.6, NM_001365779.1, NM_001407323.1 and 1 more transcripts); c.*65T>C (NM_001301244.2, NM_001330346.2, NM_001407322.1 and 3 more transcripts); c.841T>C, p.Cys281Arg (NM_001365777.1, NM_001407327.1, NM_001407328.1); c.733T>C, p.Cys245Arg (NM_001365780.1, NM_001407342.1); c.*1818T>C (NM_001365781.2, NM_001365782.1, NM_001407333.1 and 1 more transcripts); c.898+3319T>C (NM_001365778.1); c.772+3319T>C (NM_001407336.1, NM_001018020.2, NM_001407338.1 and 5 more transcripts); c.851+1822T>C (NM_001407326.1); and 1 more; short protein forms C245R, C281R.
Identifiers: ClinVar variation 4885898 (VCV004885898.2).

ClinVar aggregate classification (germline): Uncertain significance (1 of 4 stars; one submission).

gnomAD v4.1: 2 of 1,595,488 alleles (0.00013%); highest among the groups gnomAD compares: Admixed American, 0.0018%; no homozygotes.

Submission:

Dasa
Classification: Uncertain significance. Last evaluated: 2025-12-04. Review status: criteria provided, single submitter. Criteria: DASA Assertion Criteria. Collection method: clinical testing. Allele origin: germline.
Comment: NM_001365777.1(TPM1):c.841T>C (p.Cys281Arg) is a missense variant that results in the substitution of cysteine with arginine. This variant is rare in population databases. The currently available literature and clinical evidence are not sufficient to establish a definitive association between this variant and the reported condition. Therefore, this variant is classified as a variant of uncertain significance.